The following is an entry in ClinVar:

NM_014989.7(RIMS1):c.3935A>G (p.Gln1312Arg)

Gene: RIMS1 (regulating synaptic membrane exocytosis 1; plus strand). Cytogenetic location: 6q13.
Variant type: single nucleotide variant.
Coding change: c.3935A>G on transcript NM_014989.7 (MANE Select); coding-DNA position 3935, A replaced by G.
Protein change: p.Gln1312Arg; replaces glutamine 1312 with arginine.
Molecular consequence: missense variant. On other transcripts: intron variant (24).
Genome position (GRCh38, 1-based): chr6:72,307,342, A>G. VCF-style: chr6-72307342-A-G. GRCh37 (hg19) VCF-style: chr6-73017045-A-G.
Other names: c.1805A>G, p.Gln602Arg (NM_001350454.2); c.2078A>G, p.Gln693Arg (NM_001350456.2); c.1835A>G, p.Gln612Arg (NM_001350457.2); c.1904A>G, p.Gln635Arg (NM_001350458.2); c.1757A>G, p.Gln586Arg (NM_001350459.2); c.1775A>G, p.Gln592Arg (NM_001350460.2); c.1652A>G, p.Gln551Arg (NM_001350461.2); c.1940A>G, p.Gln647Arg (NM_001350462.2); and 51 more; short protein forms Q1312R, Q476R, Q501R, Q527R, Q528R, Q538R, Q543R, Q551R.
Identifiers: ClinVar variation 2656692 (VCV002656692.24), dbSNP rs1008642456, ClinGen allele CA140883234.
Genomic context (GRCh38, chr6:72,307,342, plus strand): 5'-CAAGACAGATGAAAATGAAAGTGCATCGATTTAAGCAGACAACAGGGTCTGGTTCTAGTC[A>G]AGAACTTGATCGCGAGCAATATTCCAAGGTAAAATTAGTAGTATCCAACAAATAGTTTCC-3'
Protein context (NP_055804.2, residues 1302-1322): FKQTTGSGSS[Gln1312Arg]ELDREQYSKY

ClinVar aggregate classification (germline): Uncertain significance (1 of 4 stars; one submission).

Allele frequency attached by ClinVar (database versions not stated): TOPMed below 0.00001.

Submission:

CeGaT Center for Human Genetics Tuebingen
Classification: Uncertain significance. Last evaluated: 2023-02-01. Review status: criteria provided, single submitter. Criteria: CeGaT Center For Human Genetics Tuebingen Variant Classification Criteria Version 2. Collection method: clinical testing. Allele origin: germline. Affected: yes. Observed: 1 variant allele.
Comment: RIMS1: PM2, BP4